The following is an entry in ClinVar:

ClinVar aggregate classification (germline): Uncertain significance (1 of 4 stars; one submission).

Conditions:
Propionic acidemia (PROP). Also called: GLYCINEMIA, KETOTIC; HYPERGLYCINEMIA WITH KETOACIDOSIS AND LEUKOPENIA; KETOTIC HYPERGLYCINEMIA. Identifiers: Orphanet 35, MedGen C0268579, MONDO:0011628, OMIM 606054, HP:0003571.

Submission:

Labcorp Genetics (formerly Invitae), Labcorp
Classification: Uncertain significance for Propionic acidemia. Last evaluated: 2023-07-18. Review status: criteria provided, single submitter. Criteria: Invitae Variant Classification Sherloc (09022015). Collection method: clinical testing. Allele origin: germline.
Comment: This variant is not present in population databases (gnomAD no frequency). This sequence change replaces serine, which is neutral and polar, with proline, which is neutral and non-polar, at codon 709 of the PCCA protein (p.Ser709Pro). This missense change has been observed in individual(s) with propionic acidemia (PMID: 24464666). In summary, the available evidence is currently insufficient to determine the role of this variant in disease. Therefore, it has been classified as a Variant of Uncertain Significance. Advanced modeling of protein sequence and biophysical properties (such as structural, functional, and spatial information, amino acid conservation, physicochemical variation, residue mobility, and thermodynamic stability) has been performed at Invitae for this missense variant, however the output from this modeling did not meet the statistical confidence thresholds required to predict the impact of this variant on PCCA protein function.

Literature cited by the submitters: PubMed 24464666.

NM_000282.4(PCCA):c.2125T>C (p.Ser709Pro)

Gene: PCCA (propionyl-CoA carboxylase subunit alpha; plus strand). Cytogenetic location: 13q32.3.
Variant type: single nucleotide variant.
Coding change: c.2125T>C on transcript NM_000282.4 (MANE Select); coding-DNA position 2125, T replaced by C.
Protein change: p.Ser709Pro; replaces serine 709 with proline.
Molecular consequence: missense variant. On other transcripts: non-coding transcript variant (5).
Genome position (GRCh38, 1-based): chr13:100,530,104, T>C. VCF-style: chr13-100530104-T-C. GRCh37 (hg19) VCF-style: chr13-101182358-T-C.
Other names: c.2047T>C, p.Ser683Pro (NM_001127692.3); c.1984T>C, p.Ser662Pro (NM_001178004.2); c.2071T>C, p.Ser691Pro (NM_001352605.2); c.1981T>C, p.Ser661Pro (NM_001352606.2); c.1906T>C, p.Ser636Pro (NM_001352607.2); c.1903T>C, p.Ser635Pro (NM_001352608.2); c.1180T>C, p.Ser394Pro (NM_001352610.2); c.1126T>C, p.Ser376Pro (NM_001352611.2); and 1 more; short protein forms S662P, S709P, S376P, S683P, S394P, S636P, S661P, S346P.
Identifiers: ClinVar variation 2736054 (VCV002736054.3), dbSNP rs2549094579, ClinGen allele CA388641009.